The following is an entry in ClinVar:

NM_031372.4(HNRNPDL):c.119C>G (p.Pro40Arg)

Gene: HNRNPDL (heterogeneous nuclear ribonucleoprotein D like; minus strand). Cytogenetic location: 4q21.22.
Variant type: single nucleotide variant.
Coding change: c.119C>G on transcript NM_031372.4 (MANE Select); coding-DNA position 119, C replaced by G.
Protein change: p.Pro40Arg; replaces proline 40 with arginine.
Molecular consequence: missense variant. On other transcripts: non-coding transcript variant (1).
Genome position (GRCh38, 1-based): chr4:82,429,572, G>C on the plus strand (C>G on the coding strand, the complement: HNRNPDL is on the minus strand). VCF-style: chr4-82429572-G-C. GRCh37 (hg19) VCF-style: chr4-83350725-G-C.
Other names: c.119C>G, p.Pro40Arg (NM_001207000.1); short protein forms P40R.
Identifiers: ClinVar variation 646332 (VCV000646332.8), dbSNP rs747150158, ClinGen allele CA357173533.

ClinVar aggregate classification (germline): Uncertain significance. Review status: criteria provided, multiple submitters, no conflicts (2 of 4 stars). 2 submissions from 2 submitters: Uncertain significance (2). Last evaluated 2025-03-31.

Conditions:
Autosomal dominant limb-girdle muscular dystrophy type 1G (LGMDD3). Also called: Limb-girdle muscular dystrophy, type 1G; MUSCULAR DYSTROPHY, LIMB-GIRDLE, AUTOSOMAL DOMINANT 3. Identifiers: Orphanet 55596, MedGen C1836765, MONDO:0012193, OMIM 609115.

Allele frequency attached by ClinVar (database versions not stated): gnomAD 0.00001; TOPMed 0.00001.

Submissions (2):

Ambry Genetics
Classification: Uncertain significance. Last evaluated: 2025-03-31. Review status: criteria provided, single submitter. Criteria: Ambry Variant Classification Scheme 2023. Collection method: clinical testing. Allele origin: germline.

Labcorp Genetics (formerly Invitae), Labcorp
Classification: Uncertain significance for Autosomal dominant limb-girdle muscular dystrophy type 1G. Last evaluated: 2021-11-20. Review status: criteria provided, single submitter. Criteria: Invitae Variant Classification Sherloc (09022015). Collection method: clinical testing. Allele origin: germline.
Comment: ClinVar contains an entry for this variant (Variation ID: 646332). This sequence change replaces proline, which is neutral and non-polar, with arginine, which is basic and polar, at codon 40 of the HNRNPDL protein (p.Pro40Arg). This variant is not present in population databases (gnomAD no frequency). This variant has not been reported in the literature in individuals affected with HNRNPDL-related conditions. Algorithms developed to predict the effect of missense changes on protein structure and function are either unavailable or do not agree on the potential impact of this missense change (SIFT: "Deleterious"; PolyPhen-2: "Possibly Damaging"; Align-GVGD: "Class C0"). In summary, the available evidence is currently insufficient to determine the role of this variant in disease. Therefore, it has been classified as a Variant of Uncertain Significance.